The following is an entry in ClinVar:

NM_001083962.2(TCF4):c.370-3T>C

Gene: TCF4 (transcription factor 4; minus strand). Cytogenetic location: 18q21.2.
Variant type: single nucleotide variant.
Coding change: c.370-3T>C on transcript NM_001083962.2 (MANE Select); 3 bases into the intron before coding-DNA position 370, T replaced by C.
Molecular consequence: intron variant.
Genome position (GRCh38, 1-based): chr18:55,351,006, A>G on the plus strand (T>C on the coding strand, the complement: TCF4 is on the minus strand). VCF-style: chr18-55351006-A-G. GRCh37 (hg19) VCF-style: chr18-53018237-A-G.
Other names: c.370-6T>C (NM_001369570.1, NM_001369569.1, NM_001369573.1); c.370-3T>C (NM_001369574.1, NM_001330604.3, NM_003199.3 and 5 more transcripts); c.298-6T>C (NM_001369581.1, NM_001348220.1, NM_001369584.1 and 3 more transcripts); c.298-3T>C (NM_001369580.1, NM_001348219.2, NM_001348218.2 and 9 more transcripts); c.244-3T>C (NM_001243231.2, NM_001348211.2); c.-18-6T>C (NM_001348212.2); c.-21-3T>C (NM_001348213.2, NM_001243233.2, NM_001330605.3); c.160-6T>C (NM_001306208.1, NM_001243232.1); and 2 more.
Identifiers: ClinVar variation 2733092 (VCV002733092.3), dbSNP rs778998689, ClinGen allele CA8970518.

ClinVar aggregate classification (germline): Uncertain significance (1 of 4 stars; one submission).

Conditions:
Pitt-Hopkins syndrome (PTHS). Also called: ENCEPHALOPATHY, SEVERE EPILEPTIC, WITH AUTONOMIC DYSFUNCTION; MENTAL RETARDATION, SYNDROMAL, WITH INTERMITTENT HYPERVENTILATION. Identifiers: Orphanet 2896, MedGen C1970431, MONDO:0012589, OMIM 610954.

Allele frequency attached by ClinVar (database versions not stated): ExAC 0.00001; gnomAD exomes 0.00001; TOPMed 0.00001.
gnomAD v4.1: 3 of 1,613,080 alleles (0.00019%); highest among the groups gnomAD compares: Admixed American, 0.005%; no homozygotes.

Submission:

Labcorp Genetics (formerly Invitae), Labcorp
Classification: Uncertain significance for Pitt-Hopkins syndrome. Last evaluated: 2024-06-04. Review status: criteria provided, single submitter. Criteria: Invitae Variant Classification Sherloc (09022015). Collection method: clinical testing. Allele origin: germline.
Comment: This sequence change falls in intron 6 of the TCF4 gene. It does not directly change the encoded amino acid sequence of the TCF4 protein. It affects a nucleotide within the consensus splice site. This variant is present in population databases (rs778998689, gnomAD 0.009%). This variant has not been reported in the literature in individuals affected with TCF4-related conditions. Variants that disrupt the consensus splice site are a relatively common cause of aberrant splicing (PMID: 17576681, 9536098). Algorithms developed to predict the effect of sequence changes on RNA splicing suggest that this variant is not likely to affect RNA splicing. In summary, the available evidence is currently insufficient to determine the role of this variant in disease. Therefore, it has been classified as a Variant of Uncertain Significance.

Literature cited by the submitters: PubMed 17576681; PubMed 9536098.